The following is an entry in ClinVar:

NM_001267550.2(TTN):c.53582-1G>A

Genes: TTN-AS1 (TTN antisense RNA 1; plus strand), TTN (titin; minus strand). Cytogenetic location: 2q31.2.
Variant type: single nucleotide variant.
Coding change: c.53582-1G>A on transcript NM_001267550.2 (MANE Select); the canonical splice acceptor site of the intron before coding-DNA position 53582, G replaced by A.
Molecular consequence: splice acceptor variant.
Genome position (GRCh38, 1-based): chr2:178,605,714, C>T on the plus strand (G>A on the coding strand, the complement: TTN is on the minus strand). VCF-style: chr2-178605714-C-T. GRCh37 (hg19) VCF-style: chr2-179470441-C-T.
Other names: c.26387-1G>A (NM_003319.4); c.26963-1G>A (NM_133437.4); c.26762-1G>A (NM_133432.3); c.45878-1G>A (NM_133378.4); c.48659-1G>A (NM_001256850.1).
Identifiers: ClinVar variation 945279 (VCV000945279.10), dbSNP rs2054612323, ClinGen allele CA349562711.

ClinVar aggregate classification (germline): Likely pathogenic (1 of 4 stars; one submission).

Conditions:
Dilated cardiomyopathy 1G (CMD1G). Identifiers: Orphanet 154, MedGen C1858763, MONDO:0011400, OMIM 604145.
Autosomal recessive limb-girdle muscular dystrophy type 2J (LGMDR10). Also called: MUSCULAR DYSTROPHY, LIMB-GIRDLE, AUTOSOMAL RECESSIVE 10; Limb-girdle muscular dystrophy, type 2J. Identifiers: Orphanet 140922, MedGen C1837342, MONDO:0012127, OMIM 608807.

Submission:

Labcorp Genetics (formerly Invitae), Labcorp
Classification: Likely pathogenic for Dilated cardiomyopathy 1G; Autosomal recessive limb-girdle muscular dystrophy type 2J. Last evaluated: 2019-06-13. Review status: criteria provided, single submitter. Criteria: Invitae Variant Classification Sherloc (09022015). Collection method: clinical testing. Allele origin: germline.
Comment: In summary, the currently available evidence indicates that the variant is pathogenic, but additional data are needed to prove that conclusively. Therefore, this variant has been classified as Likely Pathogenic. This variant is located in the A band of TTN (PMID: 25589632). Truncating variants in this region are significantly overrepresented in patients affected with dilated cardiomyopathy (PMID: 25589632). Truncating variants in this region have also been reported in individuals affected with autosomal recessive centronuclear myopathy (PMID: 23975875). Algorithms developed to predict the effect of sequence changes on RNA splicing suggest that this variant may disrupt the consensus splice site, but this prediction has not been confirmed by published transcriptional studies. This variant has not been reported in the literature in individuals with TTN-related conditions. This variant is not present in population databases (ExAC no frequency). This sequence change affects an acceptor splice site in intron 278 of the TTN gene. It is expected to disrupt RNA splicing and likely results in an absent or disrupted protein product.

Literature cited by the submitters: PubMed 25589632; PubMed 23975875.